The following is an entry in ClinVar:

NM_201384.3(PLEC):c.1958C>T (p.Ala653Val)

Gene: PLEC (plectin; minus strand). Cytogenetic location: 8q24.3.
Variant type: single nucleotide variant.
Coding change: c.1958C>T on transcript NM_201384.3 (MANE Select); coding-DNA position 1958, C replaced by T.
Protein change: p.Ala653Val; replaces alanine 653 with valine.
Molecular consequence: missense variant.
Genome position (GRCh38, 1-based): chr8:143,932,419, G>A on the plus strand (C>T on the coding strand, the complement: PLEC is on the minus strand). VCF-style: chr8-143932419-G-A. GRCh37 (hg19) VCF-style: chr8-145006587-G-A.
Other names: c.1970C>T, p.Ala657Val (NM_201383.3); c.2039C>T, p.Ala680Val (NM_000445.5, NM_001410941.1); c.1916C>T, p.Ala639Val (NM_201378.4); c.1892C>T, p.Ala631Val (NM_201379.3); c.2369C>T, p.Ala790Val (NM_201380.4); c.1862C>T, p.Ala621Val (NM_201381.3); c.1958C>T, p.Ala653Val (NM_201382.4); short protein forms A621V, A631V, A639V, A653V, A657V, A680V, A790V.
Identifiers: ClinVar variation 3761627 (VCV003761627.2).

ClinVar aggregate classification (germline): Uncertain significance (1 of 4 stars; one submission).

Conditions:
Epidermolysis bullosa simplex with nail dystrophy (EBS5D). Identifiers: MedGen C4225309, MONDO:0014661, OMIM 616487.
Epidermolysis bullosa simplex, Ogna type (EBS5A). Also called: EPIDERMOLYSIS BULLOSA SIMPLEX 5A, OGNA TYPE; Pidermolysis bullosa simplex 5A, Ogna type. Identifiers: Orphanet 79401, MedGen C0432317, MONDO:0007555, OMIM 131950.
Autosomal recessive limb-girdle muscular dystrophy type 2Q (LGMDR17). Also called: MUSCULAR DYSTROPHY, LIMB-GIRDLE, AUTOSOMAL RECESSIVE 17. Identifiers: Orphanet 254361, MedGen C3150989, MONDO:0013390, OMIM 613723.
Epidermolysis bullosa simplex 5B, with muscular dystrophy (EBS5B). Also called: EPIDERMOLYSIS BULLOSA SIMPLEX AND LIMB-GIRDLE MUSCULAR DYSTROPHY; Epidermolysis bullosa simplex with muscular dystrophy. Identifiers: Orphanet 257, MedGen C2931072, MONDO:0009181, OMIM 226670.
Epidermolysis bullosa simplex 5C, with pyloric atresia (EBS5C). Also called: PLEC1-Related Epidermolysis Bullosa with Pyloric Atresia; PLEC-Related Epidermolysis Bullosa with Pyloric Atresia; Epidermolysis bullosa simplex with pyloric atresia. Identifiers: Orphanet 158684, MedGen C2677349, MONDO:0012807, OMIM 612138.

gnomAD v4.1: 2 of 1,612,774 alleles (0.00012%); highest among the groups gnomAD compares: Non-Finnish European, 0.00017%; no homozygotes.

Submission:

Labcorp Genetics (formerly Invitae), Labcorp
Classification: Uncertain significance for Autosomal recessive limb-girdle muscular dystrophy type 2Q; Epidermolysis bullosa simplex, Ogna type; Epidermolysis bullosa simplex with nail dystrophy; Epidermolysis bullosa simplex 5C, with pyloric atresia; Epidermolysis bullosa simplex 5B, with muscular dystrophy. Last evaluated: 2025-06-25. Review status: criteria provided, single submitter. Criteria: Invitae Variant Classification Sherloc (09022015). Collection method: clinical testing. Allele origin: germline.
Comment: This sequence change replaces alanine, which is neutral and non-polar, with valine, which is neutral and non-polar, at codon 680 of the PLEC protein (p.Ala680Val). This variant is present in population databases (no rsID available, gnomAD 0.002%). This variant has not been reported in the literature in individuals affected with PLEC-related conditions. ClinVar contains an entry for this variant (Variation ID: 3761627). Invitae Evidence Modeling of protein sequence and biophysical properties (such as structural, functional, and spatial information, amino acid conservation, physicochemical variation, residue mobility, and thermodynamic stability) indicates that this missense variant is not expected to disrupt PLEC protein function with a negative predictive value of 80%. In summary, the available evidence is currently insufficient to determine the role of this variant in disease. Therefore, it has been classified as a Variant of Uncertain Significance.